The following is an entry in ClinVar:

ClinVar aggregate classification (germline): Pathogenic (0 of 4 stars; one submission).

Conditions:
X-linked deafness. Identifiers: MedGen CN043651, MONDO:0020768.

Submission:

Yong Feng Lab, Central South University
Classification: Pathogenic for X-linked deafness. Last evaluated: 2017-10-01. Review status: no assertion criteria provided. Collection method: research. Allele origin: germline. Inheritance: X-linked dominant inheritance. Affected: yes. Observed: 13 variant alleles, 6 heterozygotes, 7 hemizygotes. Clinical features observed: Progressive sensorineural hearing impairment.
Comment: Male patients onset age is earlier than female patients, male patients onset age is 7-years-old , and female patients onset age is more than 30-years-old. The serious rate of hearing loss in male patients is more than that in female patients. Male patients were fast progressive hearing loss, to the age of twenty, they have developed severe sensorineural hearing loss. Female patients hearing declined slowly, they present with sever hearing loss at 45-50years old. The hearing loss in those patients appears to affect from high and middle frequencies to all frequencies. The X-linked dominance pattern of inheritance was detected based on the absence of male-to-male transmission, early onset and a more severe phenotype in males than in females.

NM_014332.3(SMPX):c.87dup (p.Gly30fs)

Gene: SMPX (small muscle protein X-linked; minus strand). Cytogenetic location: Xp22.12.
Variant type: Duplication.
Coding change: c.87dup on transcript NM_014332.3 (MANE Select); coding-DNA position 87, one base duplicated (A; older notation c.87dupA).
Protein change: p.Gly30fs; shifts the reading frame from glycine 30.
Molecular consequence: frameshift variant. On other transcripts: non-coding transcript variant (1).
Genome position (GRCh38, 1-based): chrX:21,743,795, T duplicated on the plus strand (A on the coding strand, the reverse complement: SMPX is on the minus strand). VCF-style (leftmost placement, unchanged base first): chrX-21743794-C-CT. GRCh37 (hg19) VCF-style: chrX-21761912-C-CT.
Other names: short protein forms G30fs.
Identifiers: ClinVar variation 444056 (VCV000444056.3), dbSNP rs1569308571, ClinGen allele CA913190727.